The following is an entry in ClinVar:

NM_003748.4(ALDH4A1):c.1240A>G (p.Thr414Ala)

Gene: ALDH4A1 (aldehyde dehydrogenase 4 family member A1; minus strand). Cytogenetic location: 1p36.13.
Variant type: single nucleotide variant.
Coding change: c.1240A>G on transcript NM_003748.4 (MANE Select); coding-DNA position 1240, A replaced by G.
Protein change: p.Thr414Ala; replaces threonine 414 with alanine.
Molecular consequence: missense variant. On other transcripts: intron variant (1).
Genome position (GRCh38, 1-based): chr1:18,876,413, T>C on the plus strand (A>G on the coding strand, the complement: ALDH4A1 is on the minus strand). VCF-style: chr1-18876413-T-C. GRCh37 (hg19) VCF-style: chr1-19202907-T-C.
Other names: c.1060A>G, p.Thr354Ala (NM_001161504.2); c.1240A>G, p.Thr414Ala (NM_170726.3); c.1185+795A>G (NM_001319218.2); short protein forms T414A, T354A.
Identifiers: ClinVar variation 1481357 (VCV001481357.9), dbSNP rs746859503, ClinGen allele CA646985.

ClinVar aggregate classification (germline): Uncertain significance. Review status: criteria provided, multiple submitters, no conflicts (2 of 4 stars). 2 submissions from 2 submitters: Uncertain significance (2). Last evaluated 2024-10-23.

Conditions:
Hyperprolinemia type 2 (HYRPRO2). Also called: 1-PYRROLINE-5-CARBOXYLATE DEHYDROGENASE DEFICIENCY; Deficiency of pyrroline-5-carboxylate reductase; Delta-1-pyrroline-5-carboxylate dehydrogenase deficiency. Identifiers: Orphanet 79101, MedGen C2931835, MONDO:0009401, OMIM 239510.

Allele frequency attached by ClinVar (database versions not stated): gnomAD exomes 0.00001; TOPMed 0.00001; ExAC 0.00002.

Submissions (2):

Labcorp Genetics (formerly Invitae), Labcorp
Classification: Uncertain significance for Hyperprolinemia type 2. Last evaluated: 2024-10-23. Review status: criteria provided, single submitter. Criteria: Invitae Variant Classification Sherloc (09022015). Collection method: clinical testing. Allele origin: germline.
Comment: This sequence change replaces threonine, which is neutral and polar, with alanine, which is neutral and non-polar, at codon 414 of the ALDH4A1 protein (p.Thr414Ala). This variant is present in population databases (rs746859503, gnomAD 0.009%). This variant has not been reported in the literature in individuals affected with ALDH4A1-related conditions. ClinVar contains an entry for this variant (Variation ID: 1481357). An algorithm developed to predict the effect of missense changes on protein structure and function outputs the following: PolyPhen-2: "Benign". The alanine amino acid residue is found in multiple mammalian species, which suggests that this missense change does not adversely affect protein function. In summary, the available evidence is currently insufficient to determine the role of this variant in disease. Therefore, it has been classified as a Variant of Uncertain Significance.

Fulgent Genetics
Classification: Uncertain significance for Hyperprolinemia type 2. Last evaluated: 2021-10-29. Review status: criteria provided, single submitter. Criteria: ACMG Guidelines, 2015. Collection method: clinical testing. Allele origin: unknown.